The following is an entry in ClinVar:

NM_172232.4(ABCA5):c.308-5T>C

Gene: ABCA5 (ATP binding cassette subfamily A member 5; minus strand). Cytogenetic location: 17q24.3.
Variant type: single nucleotide variant.
Coding change: c.308-5T>C on transcript NM_172232.4 (MANE Select); 5 bases into the intron before coding-DNA position 308, T replaced by C.
Molecular consequence: intron variant.
Genome position (GRCh38, 1-based): chr17:69,309,428, A>G on the plus strand (T>C on the coding strand, the complement: ABCA5 is on the minus strand). VCF-style: chr17-69309428-A-G. GRCh37 (hg19) VCF-style: chr17-67305569-A-G.
Other names: c.308-5T>C (NM_018672.5).
Identifiers: ClinVar variation 736190 (VCV000736190.6), dbSNP rs201742068, ClinGen allele CA8737931.

ClinVar aggregate classification (germline): Likely benign. Review status: criteria provided, single submitter (1 of 4 stars). 2 submissions from 2 submitters: Likely benign (1). 1 of the submissions does not count toward it. Last evaluated 2019-12-31.

Conditions:
ABCA5-related disorder. Also called: ABCA5-related condition.

Allele frequency attached by ClinVar (database versions not stated): ExAC 0.00019; gnomAD exomes 0.00026 and 0.00064; gnomAD 0.00041 and 0.00042; TOPMed 0.00046; ESP Exome Variant Server 0.00062.
gnomAD v4.1: 956 of 1,527,704 alleles (0.063%); highest among the groups gnomAD compares: Non-Finnish European, 0.078%; no homozygotes.

Submissions (2):

Labcorp Genetics (formerly Invitae), Labcorp
Classification: Likely benign. Last evaluated: 2019-12-31. Review status: criteria provided, single submitter. Criteria: Invitae Variant Classification Sherloc (09022015). Collection method: clinical testing. Allele origin: germline.

PreventionGenetics, part of Exact Sciences
Classification: Likely benign for ABCA5-related condition. Last evaluated: 2019-06-06. Review status: no assertion criteria provided. Collection method: clinical testing. Allele origin: germline. Not counted in ClinVar's aggregate classification.
Comment: This variant is classified as likely benign based on ACMG/AMP sequence variant interpretation guidelines (Richards et al. 2015 PMID: 25741868, with internal and published modifications).